The following is an entry in ClinVar:

ClinVar aggregate classification (germline): Pathogenic (1 of 4 stars; one submission).

Submission:

Labcorp Genetics (formerly Invitae), Labcorp
Classification: Pathogenic. Last evaluated: 2023-07-17. Review status: criteria provided, single submitter. Criteria: Invitae Variant Classification Sherloc (09022015). Collection method: clinical testing. Allele origin: germline.
Comment: This variant is not present in population databases (gnomAD no frequency). This sequence change creates a premature translational stop signal (p.Val397Tyrfs*68) in the USH1C gene. It is expected to result in an absent or disrupted protein product. Loss-of-function variants in USH1C are known to be pathogenic (PMID: 10973247, 17407589, 20301442, 21203349). This variant has not been reported in the literature in individuals affected with USH1C-related conditions. For these reasons, this variant has been classified as Pathogenic. ClinVar contains an entry for this variant (Variation ID: 2114020).

Literature cited by the submitters: PubMed 10973247; PubMed 17407589; PubMed 20301442; PubMed 21203349.

NM_153676.4(USH1C):c.1188del (p.Val397fs)

Gene: USH1C (USH1 protein network component harmonin; minus strand). Cytogenetic location: 11p15.1.
Variant type: Deletion.
Coding change: c.1188del on transcript NM_153676.4 (MANE Select); coding-DNA position 1188, one base deleted (A; older notation c.1188delA).
Protein change: p.Val397fs; shifts the reading frame from valine 397.
Molecular consequence: frameshift variant. On other transcripts: non-coding transcript variant (1).
Genome position (GRCh38, 1-based): chr11:17,520,892, T deleted on the plus strand (A on the coding strand, the reverse complement: USH1C is on the minus strand). VCF-style (leftmost placement, unchanged base first): chr11-17520891-CT-C. GRCh37 (hg19) VCF-style: chr11-17542438-CT-C.
Other names: c.1131del, p.Val378fs (NM_001297764.2); c.1188del, p.Val397fs (NM_005709.4); short protein forms V397fs, V378fs.
Identifiers: ClinVar variation 2114020 (VCV002114020.4), dbSNP rs2497138468, ClinGen allele CA2580082763.